The following is an entry in ClinVar:

ClinVar aggregate classification (germline): Benign/Likely benign. Review status: criteria provided, multiple submitters, no conflicts (2 of 4 stars). 4 submissions from 4 submitters: Benign (2); Likely benign (2). Last evaluated 2026-01-21.

Allele frequency attached by ClinVar (database versions not stated): 1000 Genomes Project 0.00220; 1000 Genomes Project 30x 0.00250; ESP Exome Variant Server 0.00322; gnomAD 0.00342 and 0.00343; TOPMed 0.00349; gnomAD exomes 0.00426 and 0.00554; ExAC 0.00700.

Submissions (4):

Labcorp Genetics (formerly Invitae), Labcorp
Classification: Benign. Last evaluated: 2026-01-21. Review status: criteria provided, single submitter. Criteria: Invitae Variant Classification Sherloc (09022015). Collection method: clinical testing. Allele origin: germline.

CeGaT Center for Human Genetics Tuebingen
Classification: Likely benign. Last evaluated: 2026-01-01. Review status: criteria provided, single submitter. Criteria: CeGaT Center For Human Genetics Tuebingen Variant Classification Criteria Version 2. Collection method: clinical testing. Allele origin: germline. Affected: yes. Observed: 2 variant alleles.
Comment: COL8A2: BP4, BS2

Blueprint Genetics
Classification: Likely benign. Last evaluated: 2024-11-26. Review status: criteria provided, single submitter. Criteria: ACMG Guidelines, 2015. Collection method: clinical testing. Allele origin: germline.

Breakthrough Genomics
Classification: Benign. Review status: criteria provided, single submitter. Criteria: ACMG Guidelines, 2015. Collection method: not provided. Allele origin: germline. Inheritance: Autosomal dominant inheritance. Affected: yes.

NM_005202.4(COL8A2):c.7G>A (p.Gly3Arg)

Gene: COL8A2 (collagen type VIII alpha 2 chain; minus strand). Cytogenetic location: 1p34.3.
Variant type: single nucleotide variant.
Coding change: c.7G>A on transcript NM_005202.4 (MANE Select); coding-DNA position 7, G replaced by A.
Protein change: p.Gly3Arg; replaces glycine 3 with arginine.
Molecular consequence: missense variant. On other transcripts: 5 prime UTR variant (1).
Genome position (GRCh38, 1-based): chr1:36,100,236, C>T on the plus strand (G>A on the coding strand, the complement: COL8A2 is on the minus strand). VCF-style: chr1-36100236-C-T. GRCh37 (hg19) VCF-style: chr1-36565837-C-T.
Other names: c.-44G>A (NM_001294347.2); short protein forms G3R.
Identifiers: ClinVar variation 1555414 (VCV001555414.26), dbSNP rs115156902, ClinGen allele CA765212.